The following is an entry in ClinVar:

NM_000051.4(ATM):c.7927+7T>G

Genes: ATM (ATM serine/threonine kinase; plus strand), C11orf65 (chromosome 11 open reading frame 65; minus strand). Cytogenetic location: 11q22.3.
Variant type: single nucleotide variant.
Coding change: c.7927+7T>G on transcript NM_000051.4 (MANE Select); 7 bases into the intron after coding-DNA position 7927, T replaced by G.
Molecular consequence: intron variant.
Genome position (GRCh38, 1-based): chr11:108,332,907, T>G. VCF-style: chr11-108332907-T-G. GRCh37 (hg19) VCF-style: chr11-108203634-T-G.
Other names: c.7927+7T>G (NM_001351834.2); c.641-23836A>C (NM_001330368.2); c.*38+2313A>C (NM_001351110.2).
Identifiers: ClinVar variation 382249 (VCV000382249.5), dbSNP rs1057521294, ClinGen allele CA16606215.
Genomic context (GRCh38, chr11:108,332,907, plus strand): 5'-ATGCTTATATTATATTAGCAAACTTAGATGCCACTCAGTGGAAGACTCAGAGAAGTATGT[T>G]TTTTTTAAAGAAGAAACGTTACTTTCTTGCTGTGTTACTCTCTGTAGAGATATATTAGTT-3'

ClinVar aggregate classification (germline): Likely benign. Review status: criteria provided, multiple submitters, no conflicts (2 of 4 stars). 2 submissions from 2 submitters: Likely benign (2). Last evaluated 2017-06-02.

Conditions:
Hereditary cancer-predisposing syndrome. Also called: Neoplastic Syndromes, Hereditary; Hereditary neoplastic syndrome; Hereditary Cancer Syndrome; Tumor predisposition. Identifiers: Orphanet 140162, MedGen C0027672, MeSH D009386, MONDO:0015356.

Submissions (2):

Color Diagnostics, LLC DBA Color Health
Classification: Likely benign for Hereditary cancer-predisposing syndrome. Last evaluated: 2017-06-02. Review status: criteria provided, single submitter. Criteria: ACMG Guidelines, 2015. Collection method: clinical testing. Allele origin: germline.

GeneDx
Classification: Likely benign. Last evaluated: 2015-12-15. Review status: criteria provided, single submitter. Criteria: GeneDx Variant Classification (06012015). Collection method: clinical testing. Allele origin: germline. Affected: yes.
Comment: This variant is considered likely benign or benign based on one or more of the following criteria: it is a conservative change, it occurs at a poorly conserved position in the protein, it is predicted to be benign by multiple in silico algorithms, and/or has population frequency not consistent with disease.